The following is an entry in ClinVar:

ClinVar aggregate classification (germline): Benign/Likely benign. Review status: criteria provided, multiple submitters, no conflicts (2 of 4 stars). 7 submissions from 7 submitters: Benign (1); Likely benign (4). 2 of the submissions do not count toward it. Last evaluated 2026-08-01.

Conditions:
NEFL-related disorder. Also called: NEFL-related condition.
Charcot-Marie-Tooth disease type 2E (CMT2E). Also called: CHARCOT-MARIE-TOOTH DISEASE, AXONAL, TYPE 2E; CHARCOT-MARIE-TOOTH NEUROPATHY, TYPE 2E. Identifiers: Orphanet 99939, MedGen C1843225, MONDO:0011894, OMIM 607684.

Allele frequency attached by ClinVar (database versions not stated): gnomAD exomes 0.00017 and 0.00012; 1000 Genomes Project 0.00020; ExAC 0.00033; gnomAD 0.00007 and 0.00011; TOPMed 0.00008; 1000 Genomes Project 30x 0.00016.

Submissions (7):

CeGaT Center for Human Genetics Tuebingen
Classification: Likely benign. Last evaluated: 2026-08-01. Review status: criteria provided, single submitter. Criteria: CeGaT Center For Human Genetics Tuebingen Variant Classification Criteria Version 2. Collection method: clinical testing. Allele origin: germline. Affected: yes. Observed: 2 variant alleles.
Comment: NEFL: BP4, BP7

PreventionGenetics, part of Exact Sciences
Classification: Likely benign for NEFL-related condition. Last evaluated: 2025-11-11. Review status: criteria provided, single submitter. Criteria: ACMG Guidelines, 2015. Collection method: clinical testing. Allele origin: germline.
Comment: This variant is classified as likely benign based on ACMG/AMP sequence variant interpretation guidelines (Richards et al. 2015 PMID: 25741868, with internal and published modifications).

Labcorp Genetics (formerly Invitae), Labcorp
Classification: Likely benign for Charcot-Marie-Tooth disease type 2E. Last evaluated: 2025-02-15. Review status: criteria provided, single submitter. Criteria: Invitae Variant Classification Sherloc (09022015). Collection method: clinical testing. Allele origin: germline.

Blueprint Genetics
Classification: Likely benign. Last evaluated: 2024-10-18. Review status: criteria provided, single submitter. Criteria: ACMG Guidelines, 2015. Collection method: clinical testing. Allele origin: germline.

Athena Diagnostics
Classification: Benign. Last evaluated: 2024-05-07. Review status: criteria provided, single submitter. Criteria: Athena Diagnostics Criteria. Collection method: clinical testing. Allele origin: unknown.

Epithelial Biology;  Institute of Medical Biology, Singapore
No classification provided. Review status: no classification provided. Collection method: not provided. Allele origin: not provided. Not counted in ClinVar's aggregate classification.

Inherited Neuropathy Consortium
Classification: Uncertain significance. Review status: no assertion criteria provided. Collection method: literature only. Allele origin: germline. Affected: yes. Not counted in ClinVar's aggregate classification.

Literature cited by the submitters: PubMed 12566280 (cited by Athena Diagnostics and Inherited Neuropathy Consortium).

NM_006158.5(NEFL):c.1458C>T (p.Ala486=)

Gene: NEFL (neurofilament light chain; minus strand). Cytogenetic location: 8p21.2.
Variant type: single nucleotide variant.
Coding change: c.1458C>T on transcript NM_006158.5 (MANE Select); coding-DNA position 1458, C replaced by T.
Protein change: p.Ala486=; no amino-acid change (alanine 486 retained).
Molecular consequence: synonymous variant.
Genome position (GRCh38, 1-based): chr8:24,953,507, G>A on the plus strand (C>T on the coding strand, the complement: NEFL is on the minus strand). VCF-style: chr8-24953507-G-A. GRCh37 (hg19) VCF-style: chr8-24811020-G-A.
Identifiers: ClinVar variation 66677 (VCV000066677.24), dbSNP rs61726486, ClinGen allele CA217504.